The following is an entry in ClinVar:

ClinVar aggregate classification (germline): Uncertain significance (1 of 4 stars; one submission).

Conditions:
Werner syndrome (WRN). Identifiers: Orphanet 902, MedGen C0043119, MONDO:0010196, OMIM 277700.

Allele frequency attached by ClinVar (database versions not stated): gnomAD exomes below 0.00001.
gnomAD v4.1: 1 of 1,613,666 alleles (0.000062%); highest among the groups gnomAD compares: Non-Finnish European, 0.000085%; no homozygotes.

Submission:

Labcorp Genetics (formerly Invitae), Labcorp
Classification: Uncertain significance for Werner syndrome. Last evaluated: 2021-11-05. Review status: criteria provided, single submitter. Criteria: Invitae Variant Classification Sherloc (09022015). Collection method: clinical testing. Allele origin: germline.
Comment: In summary, the available evidence is currently insufficient to determine the role of this variant in disease. Therefore, it has been classified as a Variant of Uncertain Significance. Algorithms developed to predict the effect of missense changes on protein structure and function are either unavailable or do not agree on the potential impact of this missense change (SIFT: "Not Available"; PolyPhen-2: "Probably Damaging"; Align-GVGD: "Not Available"). This variant has not been reported in the literature in individuals affected with WRN-related conditions. This variant is not present in population databases (gnomAD no frequency). This sequence change replaces lysine, which is basic and polar, with asparagine, which is neutral and polar, at codon 135 of the WRN protein (p.Lys135Asn).

NM_000553.6(WRN):c.405G>C (p.Lys135Asn)

Gene: WRN (WRN RecQ like helicase; plus strand). Cytogenetic location: 8p12.
Variant type: single nucleotide variant.
Coding change: c.405G>C on transcript NM_000553.6 (MANE Select); coding-DNA position 405, G replaced by C.
Protein change: p.Lys135Asn; replaces lysine 135 with asparagine.
Molecular consequence: missense variant.
Genome position (GRCh38, 1-based): chr8:31,064,964, G>C. VCF-style: chr8-31064964-G-C. GRCh37 (hg19) VCF-style: chr8-30922480-G-C.
Other names: short protein forms K135N.
Identifiers: ClinVar variation 1383643 (VCV001383643.6), dbSNP rs2130036348, ClinGen allele CA370914721.